The following is an entry in ClinVar:

NM_015202.5(KATNIP):c.1685A>G (p.Gln562Arg)

Gene: KATNIP (katanin interacting protein; plus strand). Cytogenetic location: 16p12.1.
Variant type: single nucleotide variant.
Coding change: c.1685A>G on transcript NM_015202.5 (MANE Select); coding-DNA position 1685, A replaced by G.
Protein change: p.Gln562Arg; replaces glutamine 562 with arginine.
Molecular consequence: missense variant.
Genome position (GRCh38, 1-based): chr16:27,721,637, A>G. VCF-style: chr16-27721637-A-G. GRCh37 (hg19) VCF-style: chr16-27732958-A-G.
Other names: short protein forms Q562R.
Identifiers: ClinVar variation 2419273 (VCV002419273.6), dbSNP rs747560797, ClinGen allele CA7977780.

ClinVar aggregate classification (germline): Uncertain significance. Review status: criteria provided, multiple submitters, no conflicts (2 of 4 stars). 2 submissions from 2 submitters: Uncertain significance (2). Last evaluated 2024-11-13.

Allele frequency attached by ClinVar (database versions not stated): gnomAD 0.00005; TOPMed 0.00006; ExAC 0.00007; gnomAD exomes 0.00009.
gnomAD v4.1: 138 of 1,614,082 alleles (0.0085%); highest among the groups gnomAD compares: Admixed American, 0.01%; no homozygotes.

Submissions (2):

Blueprint Genetics
Classification: Uncertain significance. Last evaluated: 2024-11-13. Review status: criteria provided, single submitter. Criteria: ACMG Guidelines, 2015. Collection method: clinical testing. Allele origin: germline.

Labcorp Genetics (formerly Invitae), Labcorp
Classification: Uncertain significance. Last evaluated: 2024-10-29. Review status: criteria provided, single submitter. Criteria: Invitae Variant Classification Sherloc (09022015). Collection method: clinical testing. Allele origin: germline.
Comment: This sequence change replaces glutamine, which is neutral and polar, with arginine, which is basic and polar, at codon 562 of the KIAA0556 protein (p.Gln562Arg). This variant is present in population databases (rs747560797, gnomAD 0.02%). This variant has not been reported in the literature in individuals affected with KIAA0556-related conditions. ClinVar contains an entry for this variant (Variation ID: 2419273). An algorithm developed to predict the effect of missense changes on protein structure and function outputs the following: PolyPhen-2: "Benign". The arginine amino acid residue is found in multiple mammalian species, which suggests that this missense change does not adversely affect protein function. In summary, the available evidence is currently insufficient to determine the role of this variant in disease. Therefore, it has been classified as a Variant of Uncertain Significance.